The following is an entry in ClinVar:

NM_020461.4(TUBGCP6):c.741+1G>A

Gene: TUBGCP6 (tubulin gamma complex component 6; minus strand). Cytogenetic location: 22q13.33.
Variant type: single nucleotide variant.
Coding change: c.741+1G>A on transcript NM_020461.4 (MANE Select); the canonical splice donor site of the intron after coding-DNA position 741, G replaced by A.
Molecular consequence: splice donor variant.
Genome position (GRCh38, 1-based): chr22:50,243,718, C>T on the plus strand (G>A on the coding strand, the complement: TUBGCP6 is on the minus strand). VCF-style: chr22-50243718-C-T. GRCh37 (hg19) VCF-style: chr22-50682147-C-T.
Identifiers: ClinVar variation 2504122 (VCV002504122.3), dbSNP rs1460482736, ClinGen allele CA412113950.

ClinVar aggregate classification (germline): Likely pathogenic. Review status: criteria provided, multiple submitters, no conflicts (2 of 4 stars). 2 submissions from 2 submitters: Likely pathogenic (2). Last evaluated 2024-03-07.

Conditions:
Microcephaly and chorioretinopathy 1. Also called: Microcephaly and chorioretinopathy, autosomal recessive, 1. Identifiers: MedGen C3278481, MONDO:0009624, OMIM 251270.

gnomAD v4.1: 7 of 1,606,084 alleles (0.00044%); highest among the groups gnomAD compares: Non-Finnish European, 0.0006%; no homozygotes.

Submissions (2):

Labcorp Genetics (formerly Invitae), Labcorp
Classification: Likely pathogenic. Last evaluated: 2024-03-07. Review status: criteria provided, single submitter. Criteria: Invitae Variant Classification Sherloc (09022015). Collection method: clinical testing. Allele origin: germline.
Comment: This sequence change affects a donor splice site in intron 1 of the TUBGCP6 gene. It is expected to disrupt RNA splicing. Variants that disrupt the donor or acceptor splice site typically lead to a loss of protein function (PMID: 16199547), and loss-of-function variants in TUBGCP6 are known to be pathogenic (PMID: 25344692). This variant is not present in population databases (gnomAD no frequency). This variant has not been reported in the literature in individuals affected with TUBGCP6-related conditions. ClinVar contains an entry for this variant (Variation ID: 2504122). Algorithms developed to predict the effect of sequence changes on RNA splicing suggest that this variant may disrupt the consensus splice site. In summary, the currently available evidence indicates that the variant is pathogenic, but additional data are needed to prove that conclusively. Therefore, this variant has been classified as Likely Pathogenic.

Lifecell International Pvt. Ltd
Classification: Likely pathogenic for Microcephaly and chorioretinopathy 1. Review status: criteria provided, single submitter. Criteria: ACMG Guidelines, 2015. Collection method: clinical testing. Allele origin: germline. Inheritance: Autosomal recessive inheritance. Affected: yes. Observed: 1 compound heterozygote.
Comment: A Heterozygous Intron, Splice site donor variant c.741+1G>A in Exon 1 of the TUBGCP6 gene that results in the amino acid substitution was identified. The observed variant novel in gnomAD exomes and genomes, respectively. The severity of the impact of this variant on the protein is high, based on the effect of the protein and REVEL score . Rare Exome Variant Ensemble Learner (REVEL) is an ensembl method for predicting the pathogenicity of missense variants based on a combination of scores from 13 individual tools: MutPred, FATHMM v2.3, VEST 3.0, PolyPhen-2, SIFT, PROVEAN, MutationAssessor, MutationTaster, LRT, GERP++, SiPhy, phyloP, and phastCons. The REVEL score for an individual missense variant can range from 0 to 1, with higher scores reflecting greater likelihood that the variant is disease-causing. Based on the above evidence this variant has been classified as Likely Pathogenic according to the ACMG guidelines.

Literature cited by the submitters: PubMed 16199547 (cited by Labcorp Genetics (formerly Invitae), Labcorp); PubMed 25344692 (cited by Labcorp Genetics (formerly Invitae), Labcorp).